The following is an entry in ClinVar:

ClinVar aggregate classification (germline): Uncertain significance (1 of 4 stars; one submission).

Submission:

Ambry Genetics
Classification: Uncertain significance. Last evaluated: 2025-03-25. Review status: criteria provided, single submitter. Criteria: Ambry Variant Classification Scheme 2023. Collection method: clinical testing. Allele origin: germline.
Comment: The p.P536R variant (also known as c.1607C>G), located in coding exon 2 of the CDK12 gene, results from a C to G substitution at nucleotide position 1607. The proline at codon 536 is replaced by arginine, an amino acid with dissimilar properties. This amino acid position is conserved. In addition, this alteration is predicted to be tolerated by in silico analysis. Based on the available evidence, the clinical significance of this variant remains unclear.

NM_016507.4(CDK12):c.1607C>G (p.Pro536Arg)

Gene: CDK12 (cyclin dependent kinase 12; plus strand). Cytogenetic location: 17q12.
Variant type: single nucleotide variant.
Coding change: c.1607C>G on transcript NM_016507.4 (MANE Select); coding-DNA position 1607, C replaced by G.
Protein change: p.Pro536Arg; replaces proline 536 with arginine.
Molecular consequence: missense variant.
Genome position (GRCh38, 1-based): chr17:39,471,439, C>G. VCF-style: chr17-39471439-C-G. GRCh37 (hg19) VCF-style: chr17-37627692-C-G.
Other names: c.1607C>G, p.Pro536Arg (NM_015083.4); short protein forms P536R.
Identifiers: ClinVar variation 3999265 (VCV003999265.1).
Genomic context (GRCh38, chr17:39,471,439, plus strand): 5'-AGGAGACAGAAACATCAGAAAAGGAGACCCCTCCACCTCTTCCCACAATTGCTTCTCCCC[C>G]ACCCCCTCTACCAACTACTACCCCTCCACCTCAGACACCCCCTTTGCCACCTTTGCCTCC-3'
Protein context (NP_057591.2, residues 526-546): PPPLPTIASP[Pro536Arg]PPLPTTTPPP